The following is an entry in ClinVar:

NM_001001563.5(TIMM50):c.61G>A (p.Gly21Arg)

Gene: TIMM50 (translocase of inner mitochondrial membrane 50; plus strand). Cytogenetic location: 19q13.2.
Variant type: single nucleotide variant.
Coding change: c.61G>A on transcript NM_001001563.5 (MANE Select); coding-DNA position 61, G replaced by A.
Protein change: p.Gly21Arg; replaces glycine 21 with arginine.
Molecular consequence: missense variant. On other transcripts: 5 prime UTR variant (1).
Genome position (GRCh38, 1-based): chr19:39,480,914, G>A. VCF-style: chr19-39480914-G-A. GRCh37 (hg19) VCF-style: chr19-39971554-G-A.
Other names: c.-220G>A (NM_001329559.2); short protein forms G21R.
Identifiers: ClinVar variation 1983473 (VCV001983473.3), dbSNP rs1163753803, ClinGen allele CA405785903.

ClinVar aggregate classification (germline): Uncertain significance (1 of 4 stars; one submission).

Allele frequency attached by ClinVar (database versions not stated): TOPMed below 0.00001.
gnomAD v4.1: 2 of 1,591,890 alleles (0.00013%); highest among the groups gnomAD compares: African/African-American, 0.0027%; no homozygotes.

Submission:

Labcorp Genetics (formerly Invitae), Labcorp
Classification: Uncertain significance. Last evaluated: 2022-08-16. Review status: criteria provided, single submitter. Criteria: Invitae Variant Classification Sherloc (09022015). Collection method: clinical testing. Allele origin: germline.
Comment: In summary, the available evidence is currently insufficient to determine the role of this variant in disease. Therefore, it has been classified as a Variant of Uncertain Significance. Algorithms developed to predict the effect of missense changes on protein structure and function are either unavailable or do not agree on the potential impact of this missense change (SIFT: "Not Available"; PolyPhen-2: "Probably Damaging"; Align-GVGD: "Not Available"). This variant has not been reported in the literature in individuals affected with TIMM50-related conditions. This variant is present in population databases (no rsID available, gnomAD 0.009%). This sequence change replaces glycine, which is neutral and non-polar, with arginine, which is basic and polar, at codon 124 of the TIMM50 protein (p.Gly124Arg).